The following is an entry in ClinVar:

NM_001204.7(BMPR2):c.668A>G (p.Asp223Gly)

Gene: BMPR2 (bone morphogenetic protein receptor type 2; plus strand). Cytogenetic location: 2q33.2.
Variant type: single nucleotide variant.
Coding change: c.668A>G on transcript NM_001204.7 (MANE Select); coding-DNA position 668, A replaced by G.
Protein change: p.Asp223Gly; replaces aspartic acid 223 with glycine.
Molecular consequence: missense variant.
Genome position (GRCh38, 1-based): chr2:202,518,868, A>G. VCF-style: chr2-202518868-A-G. GRCh37 (hg19) VCF-style: chr2-203383591-A-G.
Other names: short protein forms D223G.
Identifiers: ClinVar variation 1000593 (VCV001000593.8), dbSNP rs1357877521, ClinGen allele CA350340163.
Genomic context (GRCh38, chr2:202,518,868, plus strand): 5'-TAAAACACTTGCAGCTGATTGGCCGAGGTCGATATGGAGCAGTATATAAAGGCTCCTTGG[A>G]TGAGCGTCCAGTTGCTGTAAAAGTGTTTTCCTTTGCAAACCGTCAGAATTTTATCAACGA-3'
Protein context (NP_001195.2, residues 213-233): RYGAVYKGSL[Asp223Gly]ERPVAVKVFS

ClinVar aggregate classification (germline): Uncertain significance (1 of 4 stars; one submission).

Conditions:
Primary pulmonary hypertension. Also called: Idiopathic pulmonary hypertension. Identifiers: MedGen C0152171.

Submission:

Labcorp Genetics (formerly Invitae), Labcorp
Classification: Uncertain significance for Primary pulmonary hypertension. Last evaluated: 2020-03-04. Review status: criteria provided, single submitter. Criteria: Invitae Variant Classification Sherloc (09022015). Collection method: clinical testing. Allele origin: germline.
Comment: In summary, the available evidence is currently insufficient to determine the role of this variant in disease. Therefore, it has been classified as a Variant of Uncertain Significance. Algorithms developed to predict the effect of sequence changes on RNA splicing suggest that this variant may create or strengthen a splice site, but this prediction has not been confirmed by published transcriptional studies. Algorithms developed to predict the effect of missense changes on protein structure and function are either unavailable or do not agree on the potential impact of this missense change (SIFT: "Tolerated"; PolyPhen-2: "Possibly Damaging"; Align-GVGD: "Class C0"). This variant has not been reported in the literature in individuals with BMPR2-related disease. This variant is not present in population databases (ExAC no frequency). This sequence change replaces aspartic acid with glycine at codon 223 of the BMPR2 protein (p.Asp223Gly). The aspartic acid residue is highly conserved and there is a moderate physicochemical difference between aspartic acid and glycine.